The following is an entry in ClinVar:

ClinVar aggregate classification (germline): Pathogenic/Likely pathogenic. Review status: criteria provided, multiple submitters, no conflicts (2 of 4 stars). 3 submissions from 3 submitters: Pathogenic (2); Likely pathogenic (1). Last evaluated 2022-09-01.

Conditions:
Abnormal central motor function. Identifiers: MedGen C4023354, HP:0011442.
Infantile-onset ascending hereditary spastic paralysis (IAHSP). Also called: Infantile-Onset Ascending Hereditary Spastic Paralysis (IAHSP); Autosomal Recessive Juvenile Amyotrophic Lateral Sclerosis. Identifiers: Orphanet 293168, MedGen C2931441, MONDO:0011797, OMIM 607225. Disease mechanism: loss of function.

Submissions (3):

CeGaT Center for Human Genetics Tuebingen
Classification: Pathogenic. Last evaluated: 2022-09-01. Review status: criteria provided, single submitter. Criteria: CeGaT Center For Human Genetics Tuebingen Variant Classification Criteria Version 2. Collection method: clinical testing. Allele origin: germline. Affected: yes. Observed: 1 variant allele.
Comment: ALS2: PVS1, PM2, PM3

Victorian Clinical Genetics Services, Murdoch Childrens Research Institute
Classification: Pathogenic for Infantile-onset ascending hereditary spastic paralysis. Last evaluated: 2022-02-02. Review status: criteria provided, single submitter. Criteria: ACMG Guidelines, 2015. Collection method: clinical testing. Allele origin: germline. Inheritance: Autosomal recessive inheritance. Affected: yes.
Comment: Based on the classification scheme VCGS_Germline_v1.3.4, this variant is classified as Pathogenic. Following criteria are met: 0102 - Loss of function is a known mechanism of disease in this gene and is associated with Juvenile amyotrophic lateral sclerosis 2 (MIM#205100), Juvenile primary lateral sclerosis (MIM#606353) and Infantile onset ascending spastic paralysis (MIM#607225). (I) 0106 - This gene is associated with autosomal recessive disease. (I) 0115 - Variants in this gene are known to have variable expressivity (PMID: 33409823). (I) 0211 - Canonical splice site variant without proven consequence on splicing (no functional evidence available). (SP) 0251 - This variant is heterozygous. (I) 0301 - Variant is absent from gnomAD (both v2 and v3). (SP) 0505 - Abnormal splicing is predicted by in silico tools and affected nucleotide is highly conserved. (SP) 0705 - No comparable canonical splice site variants have previous evidence for pathogenicity. (I) 0803 - This variant has limited previous evidence of pathogenicity in unrelated individuals. This variant has been reported as a founder mutation in 11 homozygous individuals from three Iranian families with infantile onset ascending spastic paralysis (PMID: 30128655). (SP) 0901 - This variant has strong evidence for segregation with disease (PMID: 30128655). (SP) 1007 - No published functional evidence has been identified for this variant. (I) Legend: (SP) - Supporting pathogenic, (I) - Information, (SB) - Supporting benign

Kariminejad - Najmabadi Pathology & Genetics Center
Classification: Likely pathogenic for Abnormal central motor function. Last evaluated: 2021-07-10. Review status: criteria provided, single submitter. Criteria: ACMG Guidelines, 2015. Collection method: clinical testing. Allele origin: germline. Affected: yes.

Literature cited by the submitters: PubMed 30128655 (cited by Victorian Clinical Genetics Services, Murdoch Childrens Research Institute); PubMed 33409823 (cited by Victorian Clinical Genetics Services, Murdoch Childrens Research Institute).

NM_020919.4(ALS2):c.1640+1G>A

Gene: ALS2 (alsin Rho guanine nucleotide exchange factor ALS2; minus strand). Cytogenetic location: 2q33.1.
Variant type: single nucleotide variant.
Coding change: c.1640+1G>A on transcript NM_020919.4 (MANE Select); the canonical splice donor site of the intron after coding-DNA position 1640, G replaced by A.
Molecular consequence: splice donor variant.
Genome position (GRCh38, 1-based): chr2:201,754,502, C>T on the plus strand (G>A on the coding strand, the complement: ALS2 is on the minus strand). VCF-style: chr2-201754502-C-T. GRCh37 (hg19) VCF-style: chr2-202619225-C-T.
Other names: c.1640+1G>A (NM_001410975.1, NM_020919.3).
Identifiers: ClinVar variation 1180678 (VCV001180678.32), dbSNP rs2106074229, ClinGen allele CA350326090.